The following is an entry in ClinVar:

NM_004444.5(EPHB4):c.914G>T (p.Arg305Leu)

Gene: EPHB4 (EPH receptor B4; minus strand). Cytogenetic location: 7q22.1.
Variant type: single nucleotide variant.
Coding change: c.914G>T on transcript NM_004444.5 (MANE Select); coding-DNA position 914, G replaced by T.
Protein change: p.Arg305Leu; replaces arginine 305 with leucine.
Molecular consequence: missense variant.
Genome position (GRCh38, 1-based): chr7:100,820,191, C>A on the plus strand (G>T on the coding strand, the complement: EPHB4 is on the minus strand). VCF-style: chr7-100820191-C-A. GRCh37 (hg19) VCF-style: chr7-100417813-C-A.
Other names: short protein forms R305L.
Identifiers: ClinVar variation 5036044 (VCV005036044.1).

ClinVar aggregate classification (germline): Uncertain significance (1 of 4 stars; one submission).

Conditions:
Cardiovascular phenotype. Identifiers: MedGen CN230736.

Submission:

Ambry Genetics
Classification: Uncertain significance for Cardiovascular phenotype. Last evaluated: 2026-07-13. Review status: criteria provided, single submitter. Criteria: Ambry Variant Classification Scheme 2023. Collection method: clinical testing. Allele origin: germline.
Comment: The p.R305L variant (also known as c.914G>T), located in coding exon 5 of the EPHB4 gene, results from a G to T substitution at nucleotide position 914. The arginine at codon 305 is replaced by leucine, an amino acid with dissimilar properties. This amino acid position is conserved. In addition, the in silico prediction for this alteration is inconclusive. Based on the available evidence, the clinical significance of this variant remains unclear.